The following is an entry in ClinVar:

ClinVar aggregate classification (germline): Uncertain significance (1 of 4 stars; one submission).

Conditions:
Agammaglobulinemia 7, autosomal recessive (AGM7). Also called: AGAMMAGLOBULINEMIA, AUTOSOMAL RECESSIVE, DUE TO PIK3R1 DEFECT. Identifiers: MedGen C3554689, MONDO:0014083, OMIM 615214.
Immunodeficiency 36 with lymphoproliferation. Also called: Immunodeficiency 36; ACTIVATED PI3K-DELTA SYNDROME 2; Activated PI3K Delta Syndrome Type 2 (APDS2). Identifiers: Orphanet 397596, Orphanet 693681, MedGen C4014934, MONDO:0014453, OMIM 616005.
SHORT syndrome. Also called: SHORT STATURE, HYPEREXTENSIBILITY, HERNIA, OCULAR DEPRESSION, RIEGER ANOMALY, AND TEETHING DELAY; LIPODYSTROPHY, PARTIAL, WITH RIEGER ANOMALY AND SHORT STATURE; PIK3R1-Related SHORT Syndrome. Identifiers: Orphanet 3163, MedGen C0878684, MONDO:0010026, OMIM 269880.

Submission:

Labcorp Genetics (formerly Invitae), Labcorp
Classification: Uncertain significance for SHORT syndrome; Immunodeficiency 36 with lymphoproliferation; Agammaglobulinemia 7, autosomal recessive. Last evaluated: 2024-04-15. Review status: criteria provided, single submitter. Criteria: Invitae Variant Classification Sherloc (09022015). Collection method: clinical testing. Allele origin: germline.
Comment: This sequence change replaces arginine, which is basic and polar, with serine, which is neutral and polar, at codon 79 of the PIK3R1 protein (p.Arg79Ser). This variant is not present in population databases (gnomAD no frequency). This variant has not been reported in the literature in individuals affected with PIK3R1-related conditions. An algorithm developed to predict the effect of missense changes on protein structure and function (PolyPhen-2) suggests that this variant is likely to be tolerated. In summary, the available evidence is currently insufficient to determine the role of this variant in disease. Therefore, it has been classified as a Variant of Uncertain Significance.

NM_181523.3(PIK3R1):c.237G>T (p.Arg79Ser)

Gene: PIK3R1 (phosphoinositide-3-kinase regulatory subunit 1; plus strand). Cytogenetic location: 5q13.1.
Variant type: single nucleotide variant.
Coding change: c.237G>T on transcript NM_181523.3 (MANE Select); coding-DNA position 237, G replaced by T.
Protein change: p.Arg79Ser; replaces arginine 79 with serine.
Molecular consequence: missense variant.
Genome position (GRCh38, 1-based): chr5:68,226,912, G>T. VCF-style: chr5-68226912-G-T. GRCh37 (hg19) VCF-style: chr5-67522740-G-T.
Other names: short protein forms R79S.
Identifiers: ClinVar variation 3762668 (VCV003762668.2).